The following is an entry in ClinVar:

ClinVar aggregate classification (germline): Uncertain significance. Review status: criteria provided, multiple submitters, no conflicts (2 of 4 stars). 2 submissions from 2 submitters: Uncertain significance (2). Last evaluated 2023-11-27.

Conditions:
Nephronophthisis. Also called: Juvenile Nephronophthisis. Identifiers: Orphanet 655, MedGen C0687120, MONDO:0019005, HP:0000090.
Inborn genetic diseases. Identifiers: MedGen C0950123, MeSH D030342.

Allele frequency attached by ClinVar (database versions not stated): gnomAD exomes below 0.00001 and 0.00002; ExAC 0.00001; gnomAD 0.00002; TOPMed 0.00002; ESP Exome Variant Server 0.00008.
gnomAD v4.1: 28 of 1,613,858 alleles (0.0017%); highest among the groups gnomAD compares: Admixed American, 0.0033%; no homozygotes.

Submissions (2):

Labcorp Genetics (formerly Invitae), Labcorp
Classification: Uncertain significance for Nephronophthisis. Last evaluated: 2023-11-27. Review status: criteria provided, single submitter. Criteria: Invitae Variant Classification Sherloc (09022015). Collection method: clinical testing. Allele origin: germline.
Comment: This sequence change replaces alanine, which is neutral and non-polar, with valine, which is neutral and non-polar, at codon 1071 of the NPHP3 protein (p.Ala1071Val). This variant is present in population databases (rs374241338, gnomAD 0.003%). This variant has not been reported in the literature in individuals affected with NPHP3-related conditions. ClinVar contains an entry for this variant (Variation ID: 1013968). Advanced modeling of protein sequence and biophysical properties (such as structural, functional, and spatial information, amino acid conservation, physicochemical variation, residue mobility, and thermodynamic stability) performed at Invitae indicates that this missense variant is not expected to disrupt NPHP3 protein function with a negative predictive value of 80%. In summary, the available evidence is currently insufficient to determine the role of this variant in disease. Therefore, it has been classified as a Variant of Uncertain Significance.

Ambry Genetics
Classification: Uncertain significance for Inborn genetic diseases. Last evaluated: 2022-06-27. Review status: criteria provided, single submitter. Criteria: Ambry Variant Classification Scheme 2023. Collection method: clinical testing. Allele origin: germline.

NM_153240.5(NPHP3):c.3212C>T (p.Ala1071Val)

Genes: NPHP3 (nephrocystin 3; minus strand), NPHP3-ACAD11 (NPHP3-ACAD11 readthrough (NMD candidate); minus strand). Cytogenetic location: 3q22.1.
Variant type: single nucleotide variant.
Coding change: c.3212C>T on transcript NM_153240.5 (MANE Select); coding-DNA position 3212, C replaced by T.
Protein change: p.Ala1071Val; replaces alanine 1071 with valine.
Molecular consequence: missense variant. On other transcripts: non-coding transcript variant (1).
Genome position (GRCh38, 1-based): chr3:132,686,377, G>A on the plus strand (C>T on the coding strand, the complement: NPHP3 is on the minus strand). VCF-style: chr3-132686377-G-A. GRCh37 (hg19) VCF-style: chr3-132405221-G-A.
Other names: c.3212C>T (NM_153240.4); short protein forms A1071V.
Identifiers: ClinVar variation 1013968 (VCV001013968.7), dbSNP rs374241338, ClinGen allele CA2621798.